The following is an entry in ClinVar:

ClinVar aggregate classification (germline): Likely benign (0 of 4 stars; one submission).

Conditions:
DCHS2-related disorder. Also called: DCHS2-related condition.

Allele frequency attached by ClinVar (database versions not stated): gnomAD 0.00105; 1000 Genomes Project 0.00120; ESP Exome Variant Server 0.00154; 1000 Genomes Project 30x 0.00172.
gnomAD v4.1: 336 of 1,614,172 alleles (0.021%); highest among the groups gnomAD compares: African/African-American, 0.4%; 1 homozygote.

Submission:

PreventionGenetics, part of Exact Sciences
Classification: Likely benign for DCHS2-related condition. Last evaluated: 2019-03-01. Review status: no assertion criteria provided. Collection method: clinical testing. Allele origin: germline.
Comment: This variant is classified as likely benign based on ACMG/AMP sequence variant interpretation guidelines (Richards et al. 2015 PMID: 25741868, with internal and published modifications).

NM_001358235.2(DCHS2):c.3214G>T (p.Val1072Phe)

Gene: DCHS2 (dachsous cadherin-related 2; minus strand). Cytogenetic location: 4q31.3.
Variant type: single nucleotide variant.
Coding change: c.3214G>T on transcript NM_001358235.2 (MANE Select); coding-DNA position 3214, G replaced by T.
Protein change: p.Val1072Phe; replaces valine 1072 with phenylalanine.
Molecular consequence: missense variant.
Genome position (GRCh38, 1-based): chr4:154,332,994, C>A on the plus strand (G>T on the coding strand, the complement: DCHS2 is on the minus strand). VCF-style: chr4-154332994-C-A. GRCh37 (hg19) VCF-style: chr4-155254146-C-A.
Other names: c.3214G>T, p.Val1072Phe (NM_001142552.2, NM_001412223.1); short protein forms V1072F.
Identifiers: ClinVar variation 3051211 (VCV003051211.2), dbSNP rs74422312, ClinGen allele CA3113241.